The following is an entry in ClinVar:

NM_000257.4(MYH7):c.1611G>C (p.Glu537Asp)

Gene: MYH7 (myosin heavy chain 7; minus strand). Cytogenetic location: 14q11.2.
Variant type: single nucleotide variant.
Coding change: c.1611G>C on transcript NM_000257.4 (MANE Select); coding-DNA position 1611, G replaced by C.
Protein change: p.Glu537Asp; replaces glutamic acid 537 with aspartic acid.
Molecular consequence: missense variant.
Genome position (GRCh38, 1-based): chr14:23,427,862, C>G on the plus strand (G>C on the coding strand, the complement: MYH7 is on the minus strand). VCF-style: chr14-23427862-C-G. GRCh37 (hg19) VCF-style: chr14-23897071-C-G.
Other names: c.1611G>C, p.Glu537Asp (NM_001407004.1); short protein forms E537D.
Identifiers: ClinVar variation 1776408 (VCV001776408.8), dbSNP rs781288581, ClinGen allele CA028972.

ClinVar aggregate classification (germline): Uncertain significance. Review status: criteria provided, multiple submitters, no conflicts (2 of 4 stars). 2 submissions from 2 submitters: Uncertain significance (2). Last evaluated 2026-08-23.

Conditions:
Cardiovascular phenotype. Identifiers: MedGen CN230736.
Hypertrophic cardiomyopathy. Also called: HYPERTROPHIC MYOCARDIOPATHY. Identifiers: Orphanet 217569, MedGen C0007194, MeSH D002312, MONDO:0005045, HP:0001639.

Allele frequency attached by ClinVar (database versions not stated): TOPMed below 0.00001; ExAC 0.00002; gnomAD 0.00001.
gnomAD v4.1: 3 of 1,614,064 alleles (0.00019%); highest among the groups gnomAD compares: African/African-American, 0.0027%; no homozygotes.

Submissions (2):

Ambry Genetics
Classification: Uncertain significance for Cardiovascular phenotype. Last evaluated: 2026-08-23. Review status: criteria provided, single submitter. Criteria: Ambry Variant Classification Scheme 2023. Collection method: clinical testing. Allele origin: germline.

Labcorp Genetics (formerly Invitae), Labcorp
Classification: Uncertain significance for Hypertrophic cardiomyopathy. Last evaluated: 2025-06-25. Review status: criteria provided, single submitter. Criteria: Invitae Variant Classification Sherloc (09022015). Collection method: clinical testing. Allele origin: germline.
Comment: This sequence change replaces glutamic acid, which is acidic and polar, with aspartic acid, which is acidic and polar, at codon 537 of the MYH7 protein (p.Glu537Asp). This variant is present in population databases (rs781288581, gnomAD 0.008%). This variant has not been reported in the literature in individuals affected with MYH7-related conditions. ClinVar contains an entry for this variant (Variation ID: 1776408). Invitae Evidence Modeling of protein sequence and biophysical properties (such as structural, functional, and spatial information, amino acid conservation, physicochemical variation, residue mobility, and thermodynamic stability) indicates that this missense variant is expected to disrupt MYH7 protein function with a positive predictive value of 95%. In summary, the available evidence is currently insufficient to determine the role of this variant in disease. Therefore, it has been classified as a Variant of Uncertain Significance.